The following is an entry in ClinVar:

NM_001130144.3(LTBP3):c.2894-1G>A

Gene: LTBP3 (latent transforming growth factor beta binding protein 3; minus strand). Cytogenetic location: 11q13.1.
Variant type: single nucleotide variant.
Coding change: c.2894-1G>A on transcript NM_001130144.3 (MANE Select); the canonical splice acceptor site of the intron before coding-DNA position 2894, G replaced by A.
Molecular consequence: splice acceptor variant.
Genome position (GRCh38, 1-based): chr11:65,540,955, C>T on the plus strand (G>A on the coding strand, the complement: LTBP3 is on the minus strand). VCF-style: chr11-65540955-C-T. GRCh37 (hg19) VCF-style: chr11-65308426-C-T.
Other names: c.2543-1G>A (NM_001164266.1); c.2894-1G>A (NM_021070.4).
Identifiers: ClinVar variation 4856098 (VCV004856098.1).
Genomic context (GRCh38, chr11:65,540,955, plus strand): 5'-TGACGATGTTGTTGTCCTGGGTGTAGCCCTTTCCGTCTGGGCAGAGGCTGTGGAACTCGG[C>T]TGCAGGGGCAGGGCGGCCGTGGGGAGGGAAGAGGCAGGACTGAGCGCGCGCGTGGGCTTA-3'

ClinVar aggregate classification (germline): Likely pathogenic (1 of 4 stars; one submission).

Conditions:
Brachyolmia-amelogenesis imperfecta syndrome. Also called: PLATYSPONDYLY WITH AMELOGENESIS IMPERFECTA; Tooth agenesis, selective, 6; Dental anomalies and short stature. Identifiers: Orphanet 2899, MedGen C1832594, MONDO:0011018, OMIM 601216. Disease mechanism: loss of function.

Submission:

3billion
Classification: Likely pathogenic for Brachyolmia-amelogenesis imperfecta syndrome. Last evaluated: 2025-09-17. Review status: criteria provided, single submitter. Criteria: ACMG Guidelines, 2015. Collection method: clinical testing. Allele origin: germline. Affected: yes.
Comment: The variant is not observed in the gnomAD v4.1.0 dataset. Predicted Consequence/Location: Canonical splice site: predicted to alter splicing and result in a loss or disruption of normal protein function. Multiple pathogenic loss-of-function variants are reported downstream of the variant. In silico tools predict the variant to alter splicing and produce an abnormal transcript [SpliceAI: 0.97 (spliceogenicity >=0.2, non-spliceogenicity <0.1)]. Therefore, this variant is classified as Likely pathogenic according to the recommendation of ACMG/AMP guideline.